The following is an entry in ClinVar:

NM_004544.4(NDUFA10):c.1049A>T (p.Lys350Met)

Gene: NDUFA10 (NADH:ubiquinone oxidoreductase subunit A10; minus strand). Cytogenetic location: 2q37.3.
Variant type: single nucleotide variant.
Coding change: c.1049A>T on transcript NM_004544.4 (MANE Select); coding-DNA position 1049, A replaced by T.
Protein change: p.Lys350Met; replaces lysine 350 with methionine.
Molecular consequence: missense variant. On other transcripts: non-coding transcript variant (3).
Genome position (GRCh38, 1-based): chr2:239,961,137, T>A on the plus strand (A>T on the coding strand, the complement: NDUFA10 is on the minus strand). VCF-style: chr2-239961137-T-A. GRCh37 (hg19) VCF-style: chr2-240900554-T-A.
Other names: c.940A>T, p.Ser314Cys (NM_001322020.2); short protein forms K350M, S314C.
Identifiers: ClinVar variation 2011969 (VCV002011969.4), dbSNP rs2469661663, ClinGen allele CA351276148.
Genomic context (GRCh38, chr2:239,961,137, plus strand): 5'-TGGCCATCACTGTGATGCAGCTGGAGCAGAAGGCGGCCCGTTCACTTCAGCCAGATCCAC[T>A]TGTCTCCCACCTCGGTGTTGTACCCAGGGCTGTACTTGCGGCCCGGCAGCTGTGGGGGAA-3'
Protein context (NP_004535.1, residues 340-355): SPGYNTEVGD[Lys350Met]WIWLK

ClinVar aggregate classification (germline): Uncertain significance (1 of 4 stars; one submission).

Submission:

Labcorp Genetics (formerly Invitae), Labcorp
Classification: Uncertain significance. Last evaluated: 2024-02-24. Review status: criteria provided, single submitter. Criteria: Invitae Variant Classification Sherloc (09022015). Collection method: clinical testing. Allele origin: germline.
Comment: This sequence change replaces lysine, which is basic and polar, with methionine, which is neutral and non-polar, at codon 350 of the NDUFA10 protein (p.Lys350Met). This variant is not present in population databases (gnomAD no frequency). This variant has not been reported in the literature in individuals affected with NDUFA10-related conditions. ClinVar contains an entry for this variant (Variation ID: 2011969). An algorithm developed to predict the effect of missense changes on protein structure and function (PolyPhen-2) suggests that this variant is likely to be disruptive. In summary, the available evidence is currently insufficient to determine the role of this variant in disease. Therefore, it has been classified as a Variant of Uncertain Significance.